The following is an entry in ClinVar:

ClinVar aggregate classification (germline): Uncertain significance (1 of 4 stars; one submission).

Conditions:
Familial cancer of breast. Also called: hereditary breast carcinoma; BREAST CANCER, FAMILIAL; Hereditary breast cancer. Identifiers: Orphanet 227535, MedGen C0346153, MONDO:0016419, OMIM 114480. Disease mechanism: loss of function.

Submission:

Labcorp Genetics (formerly Invitae), Labcorp
Classification: Uncertain significance for Familial cancer of breast. Last evaluated: 2025-07-23. Review status: criteria provided, single submitter. Criteria: Invitae Variant Classification Sherloc (09022015). Collection method: clinical testing. Allele origin: germline.
Comment: This sequence change replaces glutamine, which is neutral and polar, with histidine, which is basic and polar, at codon 336 of the CHEK2 protein (p.Gln336His). This variant also falls at the last nucleotide of exon 9, which is part of the consensus splice site for this exon. This variant is not present in population databases (gnomAD no frequency). This variant has not been reported in the literature in individuals affected with CHEK2-related conditions. An algorithm developed to predict the effect of missense changes on protein structure and function (PolyPhen-2) suggests that this variant is likely to be tolerated. Variants that disrupt the consensus splice site are a relatively common cause of aberrant splicing (PMID: 17576681, 9536098). Algorithms developed to predict the effect of sequence changes on RNA splicing suggest that this variant may disrupt the consensus splice site. In summary, the available evidence is currently insufficient to determine the role of this variant in disease. Therefore, it has been classified as a Variant of Uncertain Significance.

Literature cited by the submitters: PubMed 17576681; PubMed 9536098.

NM_007194.4(CHEK2):c.1008G>T (p.Gln336His)

Gene: CHEK2 (checkpoint kinase 2; minus strand). Cytogenetic location: 22q12.1.
Variant type: single nucleotide variant.
Coding change: c.1008G>T on transcript NM_007194.4 (MANE Select); coding-DNA position 1008, G replaced by T.
Protein change: p.Gln336His; replaces glutamine 336 with histidine.
Molecular consequence: missense variant.
Genome position (GRCh38, 1-based): chr22:28,699,838, C>A on the plus strand (G>T on the coding strand, the complement: CHEK2 is on the minus strand). VCF-style: chr22-28699838-C-A. GRCh37 (hg19) VCF-style: chr22-29095826-C-A.
Other names: c.1137G>T, p.Gln379His (NM_001005735.3, NM_001438294.1); c.345G>T, p.Gln115His (NM_001257387.3, NM_001437942.1); c.807G>T, p.Gln269His (NM_001349956.3); c.1101G>T, p.Gln367His (NM_001438293.1, NM_001438295.1); c.1008G>T, p.Gln336His (NM_145862.3); short protein forms Q379H, Q269H, Q336H, Q367H, Q115H.
Identifiers: ClinVar variation 4723855 (VCV004723855.1).